The following continues an entry in ClinVar:

NM_000454.5(SOD1):c.272A>C (p.Asp91Ala)

Gene: SOD1. ClinVar aggregate classification (germline): Conflicting classifications of pathogenicity. Pathogenic (5); Likely pathogenic (9); Uncertain significance (5); Likely benign (1).

Submissions 10 to 24 of 24:

Athena Diagnostics
Classification: Pathogenic. Last evaluated: 2024-12-31. Review status: criteria provided, single submitter. Criteria: Athena Diagnostics Criteria. Collection method: clinical testing. Allele origin: unknown.
Comment: This is a founder variant with reported recessive and dominant disease inheritance (PMID: 12442272), and so its frequency in the general population is consistent with pathogenicity (425/282876 chromosomes). This variant is statistically more frequent in affected individuals than in the general population and/or healthy controls. This variant associates with disease in multiple families reported to exhibit both autosomal dominant and autosomal recessive inheritance. This variant is also referred to as p.Asp90Ala (D90A) in published literature. Assessment of experimental evidence suggests this variant results in abnormal protein function. Experiments show this variant causes increased protein aggregation causing motor neuron degeneration (PMID 17146286, 18319614, 19483195, 25806427).

Kariminejad - Najmabadi Pathology & Genetics Center
Classification: Likely pathogenic for Amyotrophic lateral sclerosis type 1. Last evaluated: 2023-06-09. Review status: criteria provided, single submitter. Criteria: ACMG Guidelines, 2015. Collection method: clinical testing. Allele origin: germline. Inheritance: Autosomal recessive inheritance. Affected: yes. Observed: 6 variant alleles.
Comment: PM1_moderate,PP5_moderate,PM5_supporting,PP2_moderate,BP4,BS1?,PM3?

Mendelics
Classification: Pathogenic for Amyotrophic lateral sclerosis type 1. Last evaluated: 2023-03-30. Review status: criteria provided, single submitter. Criteria: Mendelics Assertion Criteria 2017. Collection method: clinical testing. Allele origin: unknown.

Molecular Genetics, Royal Melbourne Hospital
Classification: Pathogenic for Amyotrophic lateral sclerosis. Last evaluated: 2023-03-30. Review status: criteria provided, single submitter. Criteria: ACMG Guidelines, 2015. Collection method: clinical testing. Allele origin: germline.
Comment: This sequence change in SOD1 is predicted to replace aspartic acid with alanine at codon 91, p.(Asp91Ala). Historically this variant is known as p.(Asp90Ala) or p.D90A. The apartic acid residue is weakly conserved (100 vertebrates, UCSC), and is located in the Sod Cu domain. There is a large physicochemical difference between aspartic acid and alanine. The highest population minor allele frequency in gnomAD v2.1 is 1.2% (298/25,122 alleles, 3 homozygotes) in the Finnish population. Whereas, the highest continental population minor allele frequency in gnomAD v2.1 is 0.07% (96/129,186 alleles, 1 homozygote) in the European (non-Finnish) population. The homozygous individuals are absent from the non-neuro cohort in gnomAD v2.1. The variant is one of the most commonly reported SOD1 variants associated with amyotrophic lateral sclerosis (ALS) and is a Scandinavian founder, which shows both autosomal dominant and recessive patterns in different populations (PMID: 9817920, 12442272). The prevalence of the heterozygous variant in affected individuals is significantly increased compared with the prevalence in controls (odds ratio 2.82, 95% CI: 1.40-5.67) (PMID: 19965850, 23100398, 28105640, 28222900, 28430856, 28444446; gnomAD v2.1 European non-Finnish non-neuro cohort). This variant has been detected in the homozygous state in many individuals with ALS and compound heterozygous with a second allele in at two affected families (PMID: 7647793, 11220750, 34668453). The recessive and dominant kindreds reported with the variant share a rare haplotype, however a recessive founder arose subsequently through a recombination event. The homozygous phenotype is characterised by prolonged survival and slow progression of disease, whereas the affected heterozygous phenotypes can vary (PMID: 12442272). In recessive kindreds segregation with ALS is reported in homozygous individuals and heterozygous individuals are unaffected (PMID: 7647793, 12442272). Whereas, in dominant kindreds segregation of the heterozygous variant with disease is reported with incomplete penetrance (PMID: 8909456, 10809943). A homozygous mouse model recapitulates the human ALS phenotype (PMID: 17146286). Multiple lines of computational evidence have conflicting predictions for the missense substitution (5/6 algorithms predict benign). Based on the classification scheme RMH Modified ACMG Guidelines v1.5.1, this variant is classified as PATHOGENIC. Following criteria are met: PS3, PP1_Strong, PM3, PS4_Supporting.

Dept. of Medical Genetics, Telemark Hospital Trust, Telemark Hospital Trust
Classification: Pathogenic for Amyotrophic Lateral Sclerosis. Last evaluated: 2022-01-01. Review status: criteria provided, single submitter. Criteria: ACMG Guidelines, 2015. Collection method: research. Allele origin: germline. Affected: yes.

MGZ Medical Genetics Center
Classification: Uncertain significance for Amyotrophic lateral sclerosis type 1. Last evaluated: 2021-09-13. Review status: criteria provided, single submitter. Criteria: ACMG Guidelines, 2015. Collection method: clinical testing. Allele origin: germline. Affected: yes. Observed: 1 variant allele.
Comment: ACMG criteria applied: PS4_SUP, PP3, BS1_SUP

Institute of Medical Genetics and Applied Genomics, University Hospital Tübingen
Classification: Likely pathogenic. Last evaluated: 2020-10-23. Review status: criteria provided, single submitter. Criteria: ACMG Guidelines, 2015. Collection method: clinical testing. Allele origin: germline. Inheritance: Autosomal unknown. Affected: yes.

Suna and Inan Kirac Foundation Neurodegeneration Research Laboratory, Koc University
Classification: Likely pathogenic for Amyotrophic lateral sclerosis type 1. Last evaluated: 2020-03-31. Review status: criteria provided, single submitter. Criteria: ACMG Guidelines, 2015. Collection method: research. Allele origin: germline. Affected: yes. Observed: 9 variant alleles.

Mayo Clinic Laboratories, Mayo Clinic
Classification: Uncertain significance. Last evaluated: 2019-10-14. Review status: criteria provided, single submitter. Criteria: ACMG Guidelines, 2015. Collection method: clinical testing. Allele origin: germline. Observed: 2 variant alleles.

Genetic Services Laboratory, University of Chicago
Classification: Likely pathogenic for Amyotrophic lateral sclerosis 1. Last evaluated: 2016-12-12. Review status: criteria provided, single submitter. Criteria: ACMG Guidelines, 2015. Collection method: clinical testing. Allele origin: germline. Affected: yes.

Neuberg Centre For Genomic Medicine, NCGM
Classification: Likely pathogenic for Amyotrophic lateral sclerosis type 1. Review status: criteria provided, single submitter. Criteria: ACMG Guidelines, 2015. Collection method: clinical testing. Allele origin: germline. Affected: yes.
Comment: The variant is one of the most commonly reported SOD1 variants associated with amyotrophic lateral sclerosis (ALS) and is a Scandinavian founder, which shows both Autosomal dominant inheritance and recessive patterns in different populations (Parton MJ, et al., 2002). Another missense variant [c.272A>T (p.Asp91Val)] on the same residue of this gene has previously been reported in individuals with Amyotrophic Lateral Sclerosis (Pereira GRC, et al., 2023) and has also been submitted as Pathogenic on ClinVar database, suggesting that this residue might be of clinical significance. For these reasons, the variant has been classified as Likely Pathogenic. In case of AR inheritance in SOD1 gene, no other significant variant in SOD1 gene has been detected.

PreventionGenetics, part of Exact Sciences
Classification: Likely pathogenic for SOD1-related condition. Last evaluated: 2024-09-23. Review status: no assertion criteria provided. Collection method: clinical testing. Allele origin: germline. Not counted in ClinVar's aggregate classification.
Comment: The SOD1 c.272A>C variant is predicted to result in the amino acid substitution p.Asp91Ala. The c.272A>C change, previously described as p.Asp90Ala using legacy nomenclature, is a known founder variant found within the Scandinavian population and has previously been reported in autosomal recessive amyotrophic lateral sclerosis (ALS, Andersen et al. 1995. PubMed ID: 7647793; Gellera et al. 2001. PubMed ID: 11369193; Hand et al. 2001. PubMed ID: 11220750; Felbecker et al. 2010. PubMed ID: 20460594). In general, individuals who are homozygous for the c.272A>C variant present with longer duration of disease compared to autosomal dominant SOD1 mediated ALS (Tripolszki et al. 2017. PubMed ID: 28222900; Luisa Conforti et al. 2009. PubMed ID: 18608106). Heterozygous individuals have been reported in a few cases with some individuals presenting with atypical ALS (Origone et al. 2009. PubMed ID: 19922148; Dalla Bella et al. 2014. PubMed ID: 24591457; Khoris et al. 2000. PubMed ID: 10809943). This variant is reported in 1.2% of alleles in individuals of European (Finnish) descent in gnomAD; however, in the general population, its allele frequency is approximately 0.074%. This variant is interpreted as likely pathogenic.

Institute of Human Genetics, Cologne University
Classification: Pathogenic for Amyotrophic lateral sclerosis type 1. Last evaluated: 2018-04-25. Review status: no assertion criteria provided. Collection method: clinical testing. Allele origin: germline. Affected: yes. Not counted in ClinVar's aggregate classification.

OMIM
Classification: Pathogenic for AMYOTROPHIC LATERAL SCLEROSIS 1. Last evaluated: 2007-04-10. Review status: no assertion criteria provided. Collection method: literature only. Allele origin: germline. Not counted in ClinVar's aggregate classification.

OMIM
Classification: Pathogenic for AMYOTROPHIC LATERAL SCLEROSIS 1, AUTOSOMAL RECESSIVE. Last evaluated: 2007-04-10. Review status: no assertion criteria provided. Collection method: literature only. Allele origin: germline. Not counted in ClinVar's aggregate classification.

Literature cited by the submitters: PubMed 7647793 (cited by 6 submitters); PubMed 10809943 (cited by 5 submitters); PubMed 11220750 (cited by 4 submitters); PubMed 11284995 (cited by Labcorp Genetics (formerly Invitae), Labcorp); PubMed 11369193 (cited by 3 submitters); PubMed 14506936 (cited by Labcorp Genetics (formerly Invitae), Labcorp); PubMed 18608106 (cited by Labcorp Genetics (formerly Invitae), Labcorp and Athena Diagnostics); PubMed 19703565 (cited by Labcorp Genetics (formerly Invitae), Labcorp); PubMed 20460594 (cited by 3 submitters); PubMed 22264771 (cited by Labcorp Genetics (formerly Invitae), Labcorp); PubMed 23062701 (cited by Labcorp Genetics (formerly Invitae), Labcorp and Athena Diagnostics); PubMed 23280792 (cited by Labcorp Genetics (formerly Invitae), Labcorp); PubMed 8909456 (cited by 5 submitters); PubMed 19922148 (cited by Labcorp Genetics (formerly Invitae), Labcorp); PubMed 7655469 (cited by Labcorp Genetics (formerly Invitae), Labcorp and Athena Diagnostics); PubMed 12482932 (cited by Labcorp Genetics (formerly Invitae), Labcorp and Women's Health and Genetics/Laboratory Corporation of America, LabCorp); PubMed 16945901 (cited by Labcorp Genetics (formerly Invitae), Labcorp); PubMed 17420412 (cited by Labcorp Genetics (formerly Invitae), Labcorp and OMIM); PubMed 18319614 (cited by Labcorp Genetics (formerly Invitae), Labcorp and Athena Diagnostics); PubMed 19635794 (cited by Labcorp Genetics (formerly Invitae), Labcorp); PubMed 20189984 (cited by Labcorp Genetics (formerly Invitae), Labcorp); PubMed 25509359 (cited by Labcorp Genetics (formerly Invitae), Labcorp); PubMed 25792239 (cited by Labcorp Genetics (formerly Invitae), Labcorp); PubMed 9817920 (cited by 4 submitters); PubMed 34996976 (cited by Women's Health and Genetics/Laboratory Corporation of America, LabCorp); PubMed 36376198 (cited by Women's Health and Genetics/Laboratory Corporation of America, LabCorp); PubMed 12270693 (cited by Women's Health and Genetics/Laboratory Corporation of America, LabCorp); PubMed 19483195 (cited by Women's Health and Genetics/Laboratory Corporation of America, LabCorp and Athena Diagnostics); PubMed 22632444 (cited by 3billion); PubMed 9365366 (cited by Athena Diagnostics); PubMed 28430856 (cited by Athena Diagnostics and Molecular Genetics, Royal Melbourne Hospital); PubMed 19965850 (cited by Athena Diagnostics and Molecular Genetics, Royal Melbourne Hospital); PubMed 17146286 (cited by Athena Diagnostics and Molecular Genetics, Royal Melbourne Hospital); PubMed 18428003 (cited by Athena Diagnostics); PubMed 10439968 (cited by Athena Diagnostics and OMIM); PubMed 25299611 (cited by Athena Diagnostics); PubMed 12442272 (cited by Athena Diagnostics and Molecular Genetics, Royal Melbourne Hospital); PubMed 8813280 (cited by Athena Diagnostics); PubMed 29861044 (cited by Athena Diagnostics); PubMed 28105640 (cited by Athena Diagnostics and Molecular Genetics, Royal Melbourne Hospital); PubMed 25806427 (cited by Athena Diagnostics); PubMed 23100398 (cited by Molecular Genetics, Royal Melbourne Hospital); PubMed 28222900 (cited by Molecular Genetics, Royal Melbourne Hospital); PubMed 28444446 (cited by Molecular Genetics, Royal Melbourne Hospital); PubMed 34668453 (cited by Molecular Genetics, Royal Melbourne Hospital).